The following is an entry in ClinVar:

NM_014332.3(SMPX):c.45+1G>T

Gene: SMPX (small muscle protein X-linked; minus strand). Cytogenetic location: Xp22.12.
Variant type: single nucleotide variant.
Coding change: c.45+1G>T on transcript NM_014332.3 (MANE Select); the canonical splice donor site of the intron after coding-DNA position 45, G replaced by T.
Molecular consequence: splice donor variant.
Genome position (GRCh38, 1-based): chrX:21,754,245, C>A on the plus strand (G>T on the coding strand, the complement: SMPX is on the minus strand). VCF-style: chrX-21754245-C-A. GRCh37 (hg19) VCF-style: chrX-21772363-C-A.
Identifiers: ClinVar variation 3601797 (VCV003601797.1).

ClinVar aggregate classification (germline): Pathogenic (1 of 4 stars; one submission).

Conditions:
Hearing loss, X-linked 4 (DFNX4). Also called: DEAFNESS, NONSYNDROMIC SENSORINEURAL PROGRESSIVE 6; DEAFNESS, X-LINKED 6, PROGRESSIVE. Identifiers: Orphanet 90625, MedGen C1848204, MONDO:0010238, OMIM 300066.

Submission:

Institute of Rare Diseases, West China Hospital, Sichuan University
Classification: Pathogenic for Hearing loss, X-linked 4. Last evaluated: 2025-01-09. Review status: criteria provided, single submitter. Criteria: ClinGen HL ACMG Specifications v1. Collection method: research. Allele origin: germline. Affected: yes.
Comment: PVS1;PM3;PP1;PM2_Supporting